The following is an entry in ClinVar:

NM_006031.6(PCNT):c.5264T>C (p.Leu1755Pro)

Gene: PCNT (pericentrin; plus strand). Cytogenetic location: 21q22.3.
Variant type: single nucleotide variant.
Coding change: c.5264T>C on transcript NM_006031.6 (MANE Select); coding-DNA position 5264, T replaced by C.
Protein change: p.Leu1755Pro; replaces leucine 1755 with proline.
Molecular consequence: missense variant.
Genome position (GRCh38, 1-based): chr21:46,411,337, T>C. VCF-style: chr21-46411337-T-C. GRCh37 (hg19) VCF-style: chr21-47831251-T-C.
Other names: c.4910T>C, p.Leu1637Pro (NM_001315529.2); short protein forms L1637P, L1755P.
Identifiers: ClinVar variation 3347143 (VCV003347143.1).

ClinVar aggregate classification (germline): Uncertain significance (0 of 4 stars; one submission).

Conditions:
PCNT-related disorder. Also called: PCNT-related condition.

gnomAD v4.1: 1 of 1,614,026 alleles (0.000062%); highest among the groups gnomAD compares: African/African-American, 0.0013%; no homozygotes.

Submission:

PreventionGenetics, part of Exact Sciences
Classification: Uncertain significance for PCNT-related condition. Last evaluated: 2024-08-21. Review status: no assertion criteria provided. Collection method: clinical testing. Allele origin: germline.
Comment: The PCNT c.5264T>C variant is predicted to result in the amino acid substitution p.Leu1755Pro. To our knowledge, this variant has not been reported in the literature or in a large population database, indicating this variant is rare. At this time, the clinical significance of this variant is uncertain due to the absence of conclusive functional and genetic evidence.